The following is an entry in ClinVar:

NM_001290043.2(TAP2):c.2059T>C (p.Ter687Gln)

Gene: TAP2 (transporter 2, ATP binding cassette subfamily B member; minus strand). Cytogenetic location: 6p21.32.
Variant type: single nucleotide variant.
Coding change: c.2059T>C on transcript NM_001290043.2 (MANE Select); coding-DNA position 2059, T replaced by C.
Protein change: p.Ter687Gln.
Molecular consequence: stop lost. On other transcripts: no sequence alteration (2), intron variant (1).
Genome position (GRCh38, 1-based): chr6:32,828,908, A>G on the plus strand (T>C on the coding strand, the complement: TAP2 is on the minus strand). VCF-style: chr6-32828908-A-G. GRCh37 (hg19) VCF-style: chr6-32796685-A-G.
Other names: *687Q; c.2059=, p.Gln687= (NM_000544.3); c.1932+492T>C (NM_018833.3); c.2059T>C (NM_000544.3).
Identifiers: ClinVar variation 403510 (VCV000403510.16), dbSNP rs241448, ClinGen allele CA3745733.

ClinVar aggregate classification (germline): Benign/Likely benign. Review status: criteria provided, multiple submitters, no conflicts (2 of 4 stars). 5 submissions from 5 submitters: Benign (3); Likely benign (2). Last evaluated 2026-02-04.

Conditions:
MHC class I deficiency. Identifiers: Orphanet 34592, MedGen C6024714, MONDO:0011476.

Allele frequency attached by ClinVar (database versions not stated): gnomAD 0.26784 and 0.27310; gnomAD exomes 0.26982 and 0.31638; TOPMed 0.26996; 1000 Genomes Project 30x 0.31043; 1000 Genomes Project 0.31110; ExAC 0.34944.
gnomAD v4.1: 417,689 of 1,543,082 alleles (27%); highest among the groups gnomAD compares: South Asian, 39%; 58,879 homozygotes.

Submissions (5):

Labcorp Genetics (formerly Invitae), Labcorp
Classification: Benign for MHC class I deficiency 1. Last evaluated: 2026-02-04. Review status: criteria provided, single submitter. Criteria: Invitae Variant Classification Sherloc (09022015). Collection method: clinical testing. Allele origin: germline.

Women's Health and Genetics/Laboratory Corporation of America, LabCorp
Classification: Likely benign. Last evaluated: 2026-01-21. Review status: criteria provided, single submitter. Criteria: LabCorp Variant Classification Summary - May 2015. Collection method: clinical testing. Allele origin: germline.

Blueprint Genetics
Classification: Likely benign. Last evaluated: 2024-11-27. Review status: criteria provided, single submitter. Criteria: ACMG Guidelines, 2015. Collection method: clinical testing. Allele origin: germline.

Mendelics
Classification: Benign for MHC class I deficiency 1. Last evaluated: 2019-05-28. Review status: criteria provided, single submitter. Criteria: Mendelics Assertion Criteria 2017. Collection method: clinical testing. Allele origin: unknown.

Laboratory for Molecular Medicine, Mass General Brigham Personalized Medicine
Classification: Benign. Last evaluated: 2016-03-28. Review status: criteria provided, single submitter. Criteria: LMM Criteria. Collection method: clinical testing. Allele origin: germline.
Comment: Variant identified in a genome or exome case(s) and assessed due to predicted null impact of the variant or pathogenic assertions in the literature or databases. Disclaimer: This variant has not undergone full assessment. The following are preliminary notes: Frequency